The following is an entry in ClinVar:

NM_025137.4(SPG11):c.4753G>T (p.Ala1585Ser)

Gene: SPG11 (SPG11 vesicle trafficking associated, spatacsin; minus strand). Cytogenetic location: 15q21.1.
Variant type: single nucleotide variant.
Coding change: c.4753G>T on transcript NM_025137.4 (MANE Select); coding-DNA position 4753, G replaced by T.
Protein change: p.Ala1585Ser; replaces alanine 1585 with serine.
Molecular consequence: missense variant.
Genome position (GRCh38, 1-based): chr15:44,589,405, C>A on the plus strand (G>T on the coding strand, the complement: SPG11 is on the minus strand). VCF-style: chr15-44589405-C-A. GRCh37 (hg19) VCF-style: chr15-44881603-C-A.
Other names: c.4753G>T, p.Ala1585Ser (NM_001160227.2); short protein forms A1585S.
Identifiers: ClinVar variation 579334 (VCV000579334.6), dbSNP rs1567143067, ClinGen allele CA392224495.

ClinVar aggregate classification (germline): Uncertain significance (1 of 4 stars; one submission).

Conditions:
Hereditary spastic paraplegia 11. Also called: Nakamura Osame syndrome; Autosomal recessive hereditary spastic paraplegia, mental impairment, and thin corpus callosum; SPASTIC PARAPLEGIA, AUTOSOMAL RECESSIVE, COMPLICATED, WITH THIN CORPUS CALLOSUM; SPASTIC PARAPLEGIA, AUTOSOMAL RECESSIVE, WITH MENTAL IMPAIRMENT AND THIN CORPUS CALLOSUM; Spastic paraplegia, mental retardation and thin corpus callosum; Spastic Paraplegia 11. Identifiers: Orphanet 2822, MedGen C1858479, MONDO:0011445, OMIM 604360.

Allele frequency attached by ClinVar (database versions not stated): gnomAD exomes below 0.00001; gnomAD 0.00001; TOPMed 0.00001.
gnomAD v4.1: 2 of 1,613,908 alleles (0.00012%); highest among the groups gnomAD compares: Non-Finnish European, 0.00017%; no homozygotes.

Submission:

Labcorp Genetics (formerly Invitae), Labcorp
Classification: Uncertain significance for Hereditary spastic paraplegia 11. Last evaluated: 2021-08-31. Review status: criteria provided, single submitter. Criteria: Invitae Variant Classification Sherloc (09022015). Collection method: clinical testing. Allele origin: germline.
Comment: This sequence change replaces alanine with serine at codon 1585 of the SPG11 protein (p.Ala1585Ser). The alanine residue is moderately conserved and there is a moderate physicochemical difference between alanine and serine. This variant is not present in population databases (ExAC no frequency). This variant has not been reported in the literature in individuals affected with SPG11-related conditions. Algorithms developed to predict the effect of missense changes on protein structure and function (SIFT, PolyPhen-2, Align-GVGD) all suggest that this variant is likely to be tolerated. In summary, the available evidence is currently insufficient to determine the role of this variant in disease. Therefore, it has been classified as a Variant of Uncertain Significance.